The following is an entry in ClinVar:

ClinVar aggregate classification (germline): Uncertain significance (1 of 4 stars; one submission).

Conditions:
Cryopyrin associated periodic syndrome (CAPS). Identifiers: Orphanet 208650, MedGen C2316212, MONDO:0016168.

gnomAD v4.1: 1 of 1,614,076 alleles (0.000062%); highest among the groups gnomAD compares: Admixed American, 0.0017%; no homozygotes.

Submission:

Labcorp Genetics (formerly Invitae), Labcorp
Classification: Uncertain significance for Cryopyrin associated periodic syndrome. Last evaluated: 2024-11-19. Review status: criteria provided, single submitter. Criteria: Invitae Variant Classification Sherloc (09022015). Collection method: clinical testing. Allele origin: germline.
Comment: This sequence change replaces tyrosine, which is neutral and polar, with cysteine, which is neutral and slightly polar, at codon 32 of the NLRP3 protein (p.Tyr32Cys). This variant is not present in population databases (gnomAD no frequency). This variant has not been reported in the literature in individuals affected with NLRP3-related conditions. Invitae Evidence Modeling of protein sequence and biophysical properties (such as structural, functional, and spatial information, amino acid conservation, physicochemical variation, residue mobility, and thermodynamic stability) indicates that this missense variant is not expected to disrupt NLRP3 protein function with a negative predictive value of 95%. In summary, the available evidence is currently insufficient to determine the role of this variant in disease. Therefore, it has been classified as a Variant of Uncertain Significance.

NM_001243133.2(NLRP3):c.89A>G (p.Tyr30Cys)

Gene: NLRP3 (NLR family pyrin domain containing 3; plus strand). Cytogenetic location: 1q44.
Variant type: single nucleotide variant.
Coding change: c.89A>G on transcript NM_001243133.2 (MANE Select); coding-DNA position 89, A replaced by G.
Protein change: p.Tyr30Cys; replaces tyrosine 30 with cysteine.
Molecular consequence: missense variant.
Genome position (GRCh38, 1-based): chr1:247,418,889, A>G. VCF-style: chr1-247418889-A-G. GRCh37 (hg19) VCF-style: chr1-247582191-A-G.
Other names: c.95A>G, p.Tyr32Cys (NM_004895.5); c.89A>G, p.Tyr30Cys (NM_183395.3, NM_001079821.3, NM_001127461.3 and 1 more transcripts); short protein forms Y32C, Y30C.
Identifiers: ClinVar variation 3678625 (VCV003678625.2).